The following is an entry in ClinVar:

NM_017934.7(PHIP):c.2452T>A (p.Ser818Thr)

Gene: PHIP (PHIP subunit of CUL4-Ring ligase complex; minus strand). Cytogenetic location: 6q14.1.
Variant type: single nucleotide variant.
Coding change: c.2452T>A on transcript NM_017934.7 (MANE Select); coding-DNA position 2452, T replaced by A.
Protein change: p.Ser818Thr; replaces serine 818 with threonine.
Molecular consequence: missense variant.
Genome position (GRCh38, 1-based): chr6:78,988,217, A>T on the plus strand (T>A on the coding strand, the complement: PHIP is on the minus strand). VCF-style: chr6-78988217-A-T. GRCh37 (hg19) VCF-style: chr6-79697934-A-T.
Other names: short protein forms S818T.
Identifiers: ClinVar variation 4995832 (VCV004995832.1).
Genomic context (GRCh38, chr6:78,988,217, plus strand): 5'-TAAAAAAATAAGTAAAAATGACATCTAATTTATGAATGTGCTGATATCTTACATCTGAAG[A>T]ACTACTGCCATTTTCTATCTCTTCTGAGGGTCTAGGAGTCTCTTCCAATGCAGATCTTGT-3'
Protein context (NP_060404.4, residues 808-828): PSEEIENGSS[Ser818Thr]SDEGEVVAVS

ClinVar aggregate classification (germline): Uncertain significance (1 of 4 stars; one submission).

Conditions:
PHIP-related disorder. Also called: PHIP-related disorders; PHIP-related condition.

Submission:

PreventionGenetics, part of Exact Sciences
Classification: Uncertain significance for PHIP-related condition. Last evaluated: 2025-12-05. Review status: criteria provided, single submitter. Criteria: ACMG Guidelines, 2015. Collection method: clinical testing. Allele origin: germline.
Comment: The PHIP c.2452T>A variant is predicted to result in the amino acid substitution p.Ser818Thr. To our knowledge, this variant has not been reported in the literature or in a large population database (gnomAD), indicating this variant is rare. At this time, the clinical significance of this variant is uncertain due to the absence of conclusive functional and genetic evidence.